The following is an entry in ClinVar:

ClinVar aggregate classification (germline): Likely benign. Review status: criteria provided, multiple submitters, no conflicts (2 of 4 stars). 3 submissions from 3 submitters: Likely benign (3). Last evaluated 2026-02-04.

Conditions:
Hereditary pulmonary alveolar proteinosis. Also called: Pulmonary surfactant metabolism dysfunction. Identifiers: Orphanet 264675, MedGen C3711368, MONDO:0012580.

Allele frequency attached by ClinVar (database versions not stated): ESP Exome Variant Server 0.00015; 1000 Genomes Project 30x 0.00016; 1000 Genomes Project 0.00020; gnomAD exomes 0.00020; ExAC 0.00009; gnomAD 0.00011; TOPMed 0.00011.

Submissions (3):

Labcorp Genetics (formerly Invitae), Labcorp
Classification: Likely benign. Last evaluated: 2026-02-04. Review status: criteria provided, single submitter. Criteria: Invitae Variant Classification Sherloc (09022015). Collection method: clinical testing. Allele origin: germline.

CeGaT Center for Human Genetics Tuebingen
Classification: Likely benign. Last evaluated: 2024-09-01. Review status: criteria provided, single submitter. Criteria: CeGaT Center For Human Genetics Tuebingen Variant Classification Criteria Version 2. Collection method: clinical testing. Allele origin: germline. Affected: yes. Observed: 1 variant allele.
Comment: ABCA3: BP4, BP7

Ambry Genetics
Classification: Likely benign for Hereditary pulmonary alveolar proteinosis. Last evaluated: 2023-02-23. Review status: criteria provided, single submitter. Criteria: Ambry Variant Classification Scheme 2023. Collection method: clinical testing. Allele origin: germline.

NM_001089.3(ABCA3):c.2964C>T (p.Asp988=)

Gene: ABCA3 (ATP binding cassette subfamily A member 3; minus strand). Cytogenetic location: 16p13.3.
Variant type: single nucleotide variant.
Coding change: c.2964C>T on transcript NM_001089.3 (MANE Select); coding-DNA position 2964, C replaced by T.
Protein change: p.Asp988=; no amino-acid change (aspartic acid 988 retained).
Molecular consequence: synonymous variant.
Genome position (GRCh38, 1-based): chr16:2,288,066, G>A on the plus strand (C>T on the coding strand, the complement: ABCA3 is on the minus strand). VCF-style: chr16-2288066-G-A. GRCh37 (hg19) VCF-style: chr16-2338067-G-A.
Identifiers: ClinVar variation 2451667 (VCV002451667.19), dbSNP rs370517177, ClinGen allele CA7840660.